The following is an entry in ClinVar:

NM_005422.4(TECTA):c.4415T>C (p.Leu1472Pro)

Genes: TBCEL-TECTA (TBCEL-TECTA readthrough; plus strand), TECTA (tectorin alpha; plus strand). Cytogenetic location: 11q23.3.
Variant type: single nucleotide variant.
Coding change: c.4415T>C on transcript NM_005422.4 (MANE Select); coding-DNA position 4415, T replaced by C.
Protein change: p.Leu1472Pro; replaces leucine 1472 with proline.
Molecular consequence: missense variant.
Genome position (GRCh38, 1-based): chr11:121,157,950, T>C. VCF-style: chr11-121157950-T-C. GRCh37 (hg19) VCF-style: chr11-121028659-T-C.
Other names: c.5372T>C, p.Leu1791Pro (NM_001378761.1); short protein forms L1472P, L1791P.
Identifiers: ClinVar variation 4800639 (VCV004800639.1).
Genomic context (GRCh38, chr11:121,157,950, plus strand): 5'-TCCGTCGCAACGTGATTCAGTGCGACCCGCGCCAATGCAAGTCAGACGAGGAGTGTGCGC[T>C]GCGCAACGGGGTGCGCGGCTGCTTCAGCACCAAGACCTCCTACTGCCTGGCGGCCGGCGG-3'
Protein context (NP_005413.2, residues 1462-1482): RQCKSDEECA[Leu1472Pro]RNGVRGCFST

ClinVar aggregate classification (germline): Uncertain significance (1 of 4 stars; one submission).

Submission:

Labcorp Genetics (formerly Invitae), Labcorp
Classification: Uncertain significance. Last evaluated: 2025-12-08. Review status: criteria provided, single submitter. Criteria: Invitae Variant Classification Sherloc (09022015). Collection method: clinical testing. Allele origin: germline.
Comment: This sequence change replaces leucine, which is neutral and non-polar, with proline, which is neutral and non-polar, at codon 1472 of the TECTA protein (p.Leu1472Pro). This variant is not present in population databases (gnomAD no frequency). This variant has not been reported in the literature in individuals affected with TECTA-related conditions. Invitae Evidence Modeling of protein sequence and biophysical properties (such as structural, functional, and spatial information, amino acid conservation, physicochemical variation, residue mobility, and thermodynamic stability) indicates that this missense variant is not expected to disrupt TECTA protein function with a negative predictive value of 95%. In summary, the available evidence is currently insufficient to determine the role of this variant in disease. Therefore, it has been classified as a Variant of Uncertain Significance.